The following is an entry in ClinVar:

NM_170707.4(LMNA):c.1608+5G>C

Gene: LMNA (lamin A/C; plus strand). Cytogenetic location: 1q22.
Variant type: single nucleotide variant.
Coding change: c.1608+5G>C on transcript NM_170707.4 (MANE Select); 5 bases into the intron after coding-DNA position 1608, G replaced by C.
Molecular consequence: intron variant.
Genome position (GRCh38, 1-based): chr1:156,137,237, G>C. VCF-style: chr1-156137237-G-C. GRCh37 (hg19) VCF-style: chr1-156107028-G-C.
Other names: IVS9, G-C, +5; c.1608+5G>C (NM_001282625.2, NM_001282626.2, NM_170708.4 and 1 more transcripts); c.1272+5G>C (NM_001257374.3); c.1365+5G>C (NM_001282624.2).
Identifiers: ClinVar variation 66854 (VCV000066854.7), dbSNP rs267607539, ClinGen allele CA017561.

ClinVar aggregate classification (germline): Pathogenic. Review status: criteria provided, single submitter (1 of 4 stars). 5 submissions from 5 submitters: Pathogenic (1). 4 of the submissions do not count toward it. Last evaluated 2017-09-14.

Conditions:
Cardiovascular phenotype. Identifiers: MedGen CN230736.
Emery-Dreifuss muscular dystrophy 2, autosomal dominant (EDMD2). Also called: Benign scapuloperoneal muscular dystrophy with cardiomyopathy; LMNA-Related Emery-Dreifuss Muscular Dystrophy, Autosomal; HAUPTMANN-THANNHAUSER MUSCULAR DYSTROPHY; MUSCULAR DYSTROPHY WITH EARLY CONTRACTURES AND CARDIOMYOPATHY, AUTOSOMAL DOMINANT; SCAPULOILIOPERONEAL ATROPHY WITH CARDIOPATHY; Limb-girdle muscular dystrophy, type 1B. Identifiers: Orphanet 261, Orphanet 264, MedGen C0410190, MONDO:0021569, OMIM 181350.

Submissions (5):

Ambry Genetics
Classification: Pathogenic for Cardiovascular phenotype. Last evaluated: 2017-09-14. Review status: criteria provided, single submitter. Criteria: Ambry Variant Classification Scheme 2023. Collection method: clinical testing. Allele origin: germline.
Comment: The c.1608+5G>C intronic pathogenic mutation results from a G to C substitution 5 nucleotides after coding exon 9 in the LMNA gene. This mutation strongly segregated with disease in two families with limb-girdle muscular dystrophy (LGMD1B) or LMNA-related dilated cardiomyopathy (Muchir A et al. Hum. Mol. Genet. 2000;9:1453-9; Hoedemaekers YM et al. Circ Cardiovasc Genet, 2010 Jun;3:232-9). RNA studies indicate that this alteration impacts splicing, causing retention of intron 9 and leading to a frameshift and premature truncation of the LMNA protein (Muchir A et al. Hum. Mol. Genet. 2000;9:1453-9). Based on the supporting evidence, this alteration is interpreted as a disease-causing mutation.

OMIM
Classification: Pathogenic for EMERY-DREIFUSS MUSCULAR DYSTROPHY 2, AUTOSOMAL DOMINANT. Last evaluated: 2000-05-22. Review status: no assertion criteria provided. Collection method: literature only. Allele origin: germline. Not counted in ClinVar's aggregate classification.

Clinical Genetics DNA and cytogenetics Diagnostics Lab, Erasmus MC, Erasmus Medical Center
Classification: Pathogenic. Review status: no assertion criteria provided. Collection method: clinical testing. Allele origin: germline. Affected: yes. Study: VKGL Data-share Consensus. Not counted in ClinVar's aggregate classification.

Epithelial Biology;  Institute of Medical Biology, Singapore
No classification provided. Review status: no classification provided. Collection method: not provided. Allele origin: not provided. Not counted in ClinVar's aggregate classification.

Genome Diagnostics Laboratory, University Medical Center Utrecht
Classification: Pathogenic. Review status: no assertion criteria provided. Collection method: clinical testing. Allele origin: germline. Affected: yes. Study: VKGL Data-share Consensus. Not counted in ClinVar's aggregate classification.

Literature cited by the submitters: PubMed 10814726 (cited by Ambry Genetics and OMIM); PubMed 20530761 (cited by Ambry Genetics); PubMed 8619549 (cited by Ambry Genetics and OMIM); PubMed 30055862 (cited by OMIM); PubMed 9106535 (cited by OMIM).